The following is an entry in ClinVar:

NM_003106.4(SOX2):c.877C>A (p.His293Asn)

Genes: SOX2 (SRY-box transcription factor 2; plus strand), SOX2-OT (SOX2 overlapping transcript; plus strand). Cytogenetic location: 3q26.33.
Variant type: single nucleotide variant.
Coding change: c.877C>A on transcript NM_003106.4 (MANE Select); coding-DNA position 877, C replaced by A.
Protein change: p.His293Asn; replaces histidine 293 with asparagine.
Molecular consequence: missense variant.
Genome position (GRCh38, 1-based): chr3:181,713,237, C>A. VCF-style: chr3-181713237-C-A. GRCh37 (hg19) VCF-style: chr3-181431025-C-A.
Other names: short protein forms H293N.
Identifiers: ClinVar variation 2662219 (VCV002662219.2), dbSNP rs1420160463, ClinGen allele CA355474847.

ClinVar aggregate classification (germline): Uncertain significance (1 of 4 stars; one submission).

Allele frequency attached by ClinVar (database versions not stated): TOPMed below 0.00001.

Submission:

GeneDx
Classification: Uncertain significance. Last evaluated: 2025-08-19. Review status: criteria provided, single submitter. Criteria: GeneDx Variant Classification Process June 2021. Collection method: clinical testing. Allele origin: germline.
Comment: Not observed at significant frequency in large population cohorts (gnomAD); In silico analysis supports that this missense variant has a deleterious effect on protein structure/function; Has not been previously published as pathogenic or benign to our knowledge